The following is an entry in ClinVar:

ClinVar aggregate classification (germline): Conflicting classifications of pathogenicity. Review status: criteria provided, conflicting classifications (1 of 4 stars). 2 submissions from 2 submitters: Uncertain significance (1); Likely benign (1). Last evaluated 2025-03-24.

Conditions:
Inborn genetic diseases. Identifiers: MedGen C0950123, MeSH D030342.
Leber congenital amaurosis 3 (LCA3). Also called: SPATA7-Related Retinitis Pigmentosa. Identifiers: MedGen C1858677, MONDO:0011415, OMIM 604232.

Allele frequency attached by ClinVar (database versions not stated): ExAC 0.00001; gnomAD 0.00001 and 0.00002; gnomAD exomes 0.00001 and 0.00003; TOPMed 0.00010.

Submissions (2):

Ambry Genetics
Classification: Likely benign for Inborn genetic diseases. Last evaluated: 2025-03-24. Review status: criteria provided, single submitter. Criteria: Ambry Variant Classification Scheme 2023. Collection method: clinical testing. Allele origin: germline.

Labcorp Genetics (formerly Invitae), Labcorp
Classification: Uncertain significance for Leber congenital amaurosis 3. Last evaluated: 2024-01-22. Review status: criteria provided, single submitter. Criteria: Invitae Variant Classification Sherloc (09022015). Collection method: clinical testing. Allele origin: germline.
Comment: This sequence change replaces methionine, which is neutral and non-polar, with valine, which is neutral and non-polar, at codon 107 of the SPATA7 protein (p.Met107Val). This variant is present in population databases (rs763053429, gnomAD 0.02%). This variant has not been reported in the literature in individuals affected with SPATA7-related conditions. ClinVar contains an entry for this variant (Variation ID: 1437474). Advanced modeling of protein sequence and biophysical properties (such as structural, functional, and spatial information, amino acid conservation, physicochemical variation, residue mobility, and thermodynamic stability) performed at Invitae indicates that this missense variant is not expected to disrupt SPATA7 protein function with a negative predictive value of 80%. In summary, the available evidence is currently insufficient to determine the role of this variant in disease. Therefore, it has been classified as a Variant of Uncertain Significance.

NM_018418.5(SPATA7):c.319A>G (p.Met107Val)

Gene: SPATA7 (spermatogenesis associated 7; plus strand). Cytogenetic location: 14q31.3.
Variant type: single nucleotide variant.
Coding change: c.319A>G on transcript NM_018418.5 (MANE Select); coding-DNA position 319, A replaced by G.
Protein change: p.Met107Val; replaces methionine 107 with valine.
Molecular consequence: missense variant.
Genome position (GRCh38, 1-based): chr14:88,416,791, A>G. VCF-style: chr14-88416791-A-G. GRCh37 (hg19) VCF-style: chr14-88883135-A-G.
Other names: c.223A>G, p.Met75Val (NM_001040428.4); c.319A>G (NM_018418.4); short protein forms M107V, M75V.
Identifiers: ClinVar variation 1437474 (VCV001437474.8), dbSNP rs763053429, ClinGen allele CA7298493.